The following is an entry in ClinVar:

NM_021098.3(CACNA1H):c.6440C>T (p.Pro2147Leu)

Gene: CACNA1H (calcium voltage-gated channel subunit alpha1 H; plus strand). Cytogenetic location: 16p13.3.
Variant type: single nucleotide variant.
Coding change: c.6440C>T on transcript NM_021098.3 (MANE Select); coding-DNA position 6440, C replaced by T.
Protein change: p.Pro2147Leu; replaces proline 2147 with leucine.
Molecular consequence: missense variant.
Genome position (GRCh38, 1-based): chr16:1,220,372, C>T. VCF-style: chr16-1220372-C-T. GRCh37 (hg19) VCF-style: chr16-1270372-C-T.
Other names: c.6422C>T, p.Pro2141Leu (NM_001005407.2); short protein forms P2147L, P2141L.
Identifiers: ClinVar variation 389769 (VCV000389769.16), dbSNP rs748980218, ClinGen allele CA7802360.
Genomic context (GRCh38, chr16:1,220,372, plus strand): 5'-GCGGCGAGCGGGACCTGCGCAGGCTCTACAGCGTGGATGCTCAGGGCTTCCTGGACAAGC[C>T]GGGCCGGGCAGACGAGCAGTGGCGGCCCTCGGCGGAGCTGGGCAGCGGGGAGCCTGGGGA-3'
Protein context (NP_066921.2, residues 2137-2157): SVDAQGFLDK[Pro2147Leu]GRADEQWRPS

ClinVar aggregate classification (germline): Conflicting classifications of pathogenicity. Review status: criteria provided, conflicting classifications (1 of 4 stars). 5 submissions from 5 submitters: Uncertain significance (4); Likely benign (1). Last evaluated 2025-12-23.

Conditions:
Inborn genetic diseases. Identifiers: MedGen C0950123, MeSH D030342.
Hyperaldosteronism, familial, type IV (HALD4). Also called: FH IV; ALDOSTERONISM, PRIMARY, AND HYPERTENSION. Identifiers: Orphanet 642671, MedGen C4310756, MONDO:0014875, OMIM 617027.
Idiopathic generalized epilepsy. Also called: Generalised epilepsy; EIG. Identifiers: MedGen C0270850, MONDO:0005579, OMIM 600669.

Allele frequency attached by ClinVar (database versions not stated): gnomAD exomes 0.00005; TOPMed 0.00007; ExAC 0.00010; gnomAD 0.00011 and 0.00013.

Submissions (5):

Labcorp Genetics (formerly Invitae), Labcorp
Classification: Likely benign for Idiopathic generalized epilepsy; Hyperaldosteronism, familial, type IV. Last evaluated: 2025-12-23. Review status: criteria provided, single submitter. Criteria: Invitae Variant Classification Sherloc (09022015). Collection method: clinical testing. Allele origin: germline.

Ambry Genetics
Classification: Uncertain significance for Inborn genetic diseases. Last evaluated: 2025-11-20. Review status: criteria provided, single submitter. Criteria: Ambry Variant Classification Scheme 2023. Collection method: clinical testing. Allele origin: germline.

Athena Diagnostics
Classification: Uncertain significance. Last evaluated: 2024-09-30. Review status: criteria provided, single submitter. Criteria: Athena Diagnostics Criteria. Collection method: clinical testing. Allele origin: unknown.
Comment: Available data are insufficient to determine the clinical significance of the variant at this time. The frequency of this variant in the general population is uninformative in assessment of its pathogenicity. Polyphen and MutationTaster predict this amino acid change may be benign.

Women's Health and Genetics/Laboratory Corporation of America, LabCorp
Classification: Uncertain significance. Last evaluated: 2024-02-12. Review status: criteria provided, single submitter. Criteria: LabCorp Variant Classification Summary - May 2015. Collection method: clinical testing. Allele origin: germline.
Comment: Variant summary: CACNA1H c.6440C>T (p.Pro2147Leu) results in a non-conservative amino acid change in the encoded protein sequence. Four of five in-silico tools predict a damaging effect of the variant on protein function. The variant allele was found at a frequency of 5.2e-05 in 153156 control chromosomes. The available data on variant occurrences in the general population are insufficient to allow any conclusion about variant significance. To our knowledge, no occurrence of c.6440C>T in individuals affected with Idiopathic Generalized Epilepsy and no experimental evidence demonstrating its impact on protein function have been reported. ClinVar contains an entry for this variant (Variation ID: 389769). Based on the evidence outlined above, the variant was classified as uncertain significance.

GeneDx
Classification: Uncertain significance. Last evaluated: 2016-10-03. Review status: criteria provided, single submitter. Criteria: GeneDx Variant Classification (06012015). Collection method: clinical testing. Allele origin: germline. Affected: yes.
Comment: The P2147L variant has not been published as a pathogenic variant, nor has it been reported as a benign variant to our knowledge. It was not observed with any significant frequency in the Exome Aggregation Consortium (ExAC) data set, indicating it is not a common benign variant. The P2147L variant is a semi-conservative amino acid substitution that occurs at a position in the predicted cytoplasmic domain that is conserved in mammals, and in silico analysis predicts this variant is probably damaging to the protein structure/function. Therefore, based on the currently available information, it is unclear whether this variant is a pathogenic variant or a rare benign variant.